The following is an entry in ClinVar:

ClinVar aggregate classification (germline): Benign/Likely benign. Review status: criteria provided, multiple submitters, no conflicts (2 of 4 stars). 3 submissions from 3 submitters: Benign (1); Likely benign (2). Last evaluated 2026-02-01.

Conditions:
Retinitis pigmentosa (RP). Identifiers: Orphanet 791, MedGen C0035334, MeSH D012174, MONDO:0019200, OMIM 268000. Inheritance: Autosomal dominant, autosomal recessive and X linked inheritance.

Allele frequency attached by ClinVar (database versions not stated): gnomAD exomes 0.00614; ExAC 0.00775; gnomAD 0.02419 and 0.02589; ESP Exome Variant Server 0.02546; 1000 Genomes Project 0.02636; TOPMed 0.02683; 1000 Genomes Project 30x 0.02983.
gnomAD v4.1: 7,631 of 1,613,168 alleles (0.47%); highest among the groups gnomAD compares: African/African-American, 8.3%; 271 homozygotes.

Submissions (3):

Labcorp Genetics (formerly Invitae), Labcorp
Classification: Benign. Last evaluated: 2026-02-01. Review status: criteria provided, single submitter. Criteria: Invitae Variant Classification Sherloc (09022015). Collection method: clinical testing. Allele origin: germline.

Illumina Laboratory Services, Illumina
Classification: Likely benign for Retinitis pigmentosa. Last evaluated: 2017-04-27. Review status: criteria provided, single submitter. Criteria: ICSL Variant Classification Criteria 13 December 2019. Collection method: clinical testing. Allele origin: germline.
Comment: This variant was observed as part of a predisposition screen in an ostensibly healthy population. A literature search was performed for the gene, cDNA change, and amino acid change (where applicable). Publications were found based on this search. The evidence from the literature, in combination with allele frequency data from public databases where available, was sufficient to determine this variant is unlikely to cause disease. Therefore, this variant is classified as likely benign.

Breakthrough Genomics
Classification: Likely benign. Review status: criteria provided, single submitter. Criteria: ACMG Guidelines, 2015. Collection method: not provided. Allele origin: germline. Inheritance: Autosomal recessive inheritance. Affected: yes.

Literature cited by the submitters: PubMed 19074801 (cited by Illumina Laboratory Services, Illumina); PubMed 21067480 (cited by Illumina Laboratory Services, Illumina).

NM_002900.3(RBP3):c.2247C>T (p.Asp749=)

Gene: RBP3 (retinol binding protein 3; plus strand). Cytogenetic location: 10q11.22.
Variant type: single nucleotide variant.
Coding change: c.2247C>T on transcript NM_002900.3 (MANE Select); coding-DNA position 2247, C replaced by T.
Protein change: p.Asp749=; no amino-acid change (aspartic acid 749 retained).
Molecular consequence: synonymous variant.
Genome position (GRCh38, 1-based): chr10:47,350,731, C>T. VCF-style: chr10-47350731-C-T. GRCh37 (hg19) VCF-style: chr10-48388631-G-A.
Identifiers: ClinVar variation 299968 (VCV000299968.16), dbSNP rs34691259, ClinGen allele CA5487327.
Genomic context (GRCh38, chr10:47,350,731, plus strand): 5'-TATTGAGGCCCTGTTCAAGACAGAGGTGCTGCCCGGCCAGCTGGGCTACCTGCGTTTTGA[C>T]GCCATGGCTGAACTGGAGACAGTGAAGGCCGTGGGGCCACAGCTGGTGCGGCTGGTATGG-3'
Protein context (NP_002891.1, residues 739-759): LPGQLGYLRF[Asp749=]AMAELETVKA